The following is an entry in ClinVar:

ClinVar aggregate classification (germline): Conflicting classifications of pathogenicity. Review status: criteria provided, conflicting classifications (1 of 4 stars). 2 submissions from 2 submitters: Uncertain significance (1); Benign (1). Last evaluated 2022-08-01.

Conditions:
Ataxia-telangiectasia syndrome (AT). Also called: Ataxia telangiectasia (A-T); Cerebello-oculocutaneous telangiectasia; Immunodeficiency with ataxia telangiectasia; LOUIS-BAR SYNDROME; AT, COMPLEMENTATION GROUP C; ATAXIA-TELANGIECTASIA, FRESNO VARIANT. Identifiers: Orphanet 100, MedGen C0004135, MONDO:0008840, OMIM 208900.

Allele frequency attached by ClinVar (database versions not stated): gnomAD exomes 0.00051; gnomAD 0.00053 and 0.00055; TOPMed 0.00051.
gnomAD v4.1: 110 of 207,272 alleles (0.053%); highest among the groups gnomAD compares: Non-Finnish European, 0.09%; no homozygotes.

Submissions (2):

CeGaT Center for Human Genetics Tuebingen
Classification: Benign. Last evaluated: 2022-08-01. Review status: criteria provided, single submitter. Criteria: CeGaT Center For Human Genetics Tuebingen Variant Classification Criteria Version 2. Collection method: clinical testing. Allele origin: germline. Affected: yes. Observed: 1 variant allele.
Comment: ATM: BS1, BS2

Illumina Laboratory Services, Illumina
Classification: Uncertain significance for Ataxia-telangiectasia syndrome. Last evaluated: 2018-01-12. Review status: criteria provided, single submitter. Criteria: ICSL Variant Classification Criteria 13 December 2019. Collection method: clinical testing. Allele origin: germline.

NM_000051.4(ATM):c.*2607T>C

Genes: ATM (ATM serine/threonine kinase; plus strand), C11orf65 (chromosome 11 open reading frame 65; minus strand). Cytogenetic location: 11q22.3.
Variant type: single nucleotide variant.
Coding change: c.*2607T>C on transcript NM_000051.4 (MANE Select); 2607 bases downstream of the stop codon, T replaced by C.
Molecular consequence: 3 prime UTR variant. On other transcripts: intron variant (2).
Genome position (GRCh38, 1-based): chr11:108,368,115, T>C. VCF-style: chr11-108368115-T-C. GRCh37 (hg19) VCF-style: chr11-108238842-T-C.
Other names: c.*2607T>C (NM_001351834.2); c.640+17805A>G (NM_001330368.2); c.694+17805A>G (NM_001351110.2).
Identifiers: ClinVar variation 302284 (VCV000302284.34), dbSNP rs879796523, ClinGen allele CA10637025.